The following is an entry in ClinVar:

ClinVar aggregate classification (germline): Uncertain significance (1 of 4 stars; one submission).

gnomAD v4.1: 1 of 1,551,522 alleles (0.000064%); highest among the groups gnomAD compares: Admixed American, 0.002%; no homozygotes.

Submission:

Labcorp Genetics (formerly Invitae), Labcorp
Classification: Uncertain significance. Last evaluated: 2021-08-31. Review status: criteria provided, single submitter. Criteria: Invitae Variant Classification Sherloc (09022015). Collection method: clinical testing. Allele origin: germline.
Comment: This sequence change replaces leucine with proline at codon 418 of the KPNA7 protein (p.Leu418Pro). The leucine residue is highly conserved and there is a moderate physicochemical difference between leucine and proline. This variant is not present in population databases (ExAC no frequency). This variant has not been reported in the literature in individuals affected with KPNA7-related conditions. Algorithms developed to predict the effect of missense changes on protein structure and function are either unavailable or do not agree on the potential impact of this missense change (SIFT: "Deleterious"; PolyPhen-2: "Probably Damaging"; Align-GVGD: "Class C0"). In summary, the available evidence is currently insufficient to determine the role of this variant in disease. Therefore, it has been classified as a Variant of Uncertain Significance.

NM_001145715.3(KPNA7):c.1253T>C (p.Leu418Pro)

Gene: KPNA7 (karyopherin subunit alpha 7; minus strand). Cytogenetic location: 7q22.1.
Variant type: single nucleotide variant.
Coding change: c.1253T>C on transcript NM_001145715.3 (MANE Select); coding-DNA position 1253, T replaced by C.
Protein change: p.Leu418Pro; replaces leucine 418 with proline.
Molecular consequence: missense variant.
Genome position (GRCh38, 1-based): chr7:99,181,947, A>G on the plus strand (T>C on the coding strand, the complement: KPNA7 is on the minus strand). VCF-style: chr7-99181947-A-G. GRCh37 (hg19) VCF-style: chr7-98779570-A-G.
Other names: short protein forms L418P.
Identifiers: ClinVar variation 1427193 (VCV001427193.3), dbSNP rs2150716399, ClinGen allele CA368417956.